The following is an entry in ClinVar:

NM_007294.4(BRCA1):c.3999_4008del (p.Gly1334fs)

Genes: BRCA1 (BRCA1 DNA repair associated; minus strand), LOC126862571 (BRD4-independent group 4 enhancer GRCh37_chr17:41243136-41244335; plus strand). Cytogenetic location: 17q21.31.
Variant type: Deletion.
Coding change: c.3999_4008del on transcript NM_007294.4 (MANE Select); coding-DNA positions 3999 to 4008, 10 bases deleted (TGGTCTGAGT; older notation c.3999_4008delTGGTCTGAGT).
Protein change: p.Gly1334fs; shifts the reading frame from glycine 1334.
Molecular consequence: frameshift variant. On other transcripts: intron variant (135).
Genome position (GRCh38, 1-based): chr17:43,091,523-43,091,532, ACTCAGACCA deleted on the plus strand (TGGTCTGAGT on the coding strand, the reverse complement: BRCA1 is on the minus strand); deleting any 10 consecutive bases within chr17:43,091,523-43,091,536 gives the same sequence; the c. name uses the placement nearest the transcript's 3' end. VCF-style (leftmost placement, unchanged base first): chr17-43091522-CACTCAGACCA-C. GRCh37 (hg19) VCF-style: chr17-41243539-CACTCAGACCA-C.
Other names: c.3999_4008delTGGTCTGAGT (NM_007294.3); c.3858_3867del, p.Gly1287fs (NM_001407692.1, NM_001407694.1, NM_001407695.1 and 29 more transcripts); c.3855_3864del, p.Gly1286fs (NM_001407740.1, NM_001407838.1, NM_001407839.1 and 20 more transcripts); c.3786_3795del, p.Gly1263fs (NM_001407853.1, NM_001407894.1, NM_001407895.1 and 9 more transcripts); c.3999_4008del, p.Gly1334fs (NM_001407854.1, NM_001407858.1, NM_001407859.1 and 30 more transcripts); c.3996_4005del, p.Gly1333fs (NM_001407860.1, NM_001407861.1, NM_001407587.1 and 22 more transcripts); c.3798_3807del, p.Gly1267fs (NM_001407862.1); c.3876_3885del, p.Gly1293fs (NM_001407863.1, NM_001407919.1, NM_001407937.1 and 19 more transcripts); and 42 more; short protein forms G1287fs, G1334fs, G1038fs, G1245fs, G1267fs, G1293fs, G1307fs, G1166fs.
Identifiers: ClinVar variation 254448 (VCV000254448.3), dbSNP rs754792932, ClinGen allele CA059069.

ClinVar aggregate classification (germline): Pathogenic (3 of 4 stars; one submission).

Conditions:
Breast-ovarian cancer, familial, susceptibility to, 1 (BROVCA1). Also called: BRCA1 Hereditary Breast and Ovarian Cancer; OVARIAN CANCER, SUSCEPTIBILITY TO. Identifiers: Orphanet 145, MedGen C2676676, MONDO:0011450, OMIM 604370. Disease mechanism: loss of function.

Submission:

Evidence-based Network for the Interpretation of Germline Mutant Alleles (ENIGMA)
Classification: Pathogenic for Breast-ovarian cancer, familial, susceptibility to, 1. Last evaluated: 2016-09-08. Review status: reviewed by expert panel. Criteria: ENIGMA BRCA1/2 Classification Criteria (2015). Collection method: curation. Allele origin: germline.
Comment: Variant allele predicted to encode a truncated non-functional protein.